The following is an entry in ClinVar:

ClinVar aggregate classification (germline): Benign/Likely benign. Review status: criteria provided, multiple submitters, no conflicts (2 of 4 stars). 12 submissions from 12 submitters: Benign (6); Likely benign (2). 4 of the submissions do not count toward it. Last evaluated 2026-01-31.

Conditions:
Cardiovascular phenotype. Identifiers: MedGen CN230736.
BGN-related disorder. Also called: BGN-related condition.

Allele frequency attached by ClinVar (database versions not stated): 1000 Genomes Project 0.00106; 1000 Genomes Project 30x 0.00146; ESP Exome Variant Server 0.00180; ExAC 0.00212; gnomAD 0.00233 and 0.00243; TOPMed 0.00343.

Submissions (12):

Labcorp Genetics (formerly Invitae), Labcorp
Classification: Benign. Last evaluated: 2026-01-31. Review status: criteria provided, single submitter. Criteria: Invitae Variant Classification Sherloc (09022015). Collection method: clinical testing. Allele origin: germline.

ARUP Laboratories, Molecular Genetics and Genomics, ARUP Laboratories
Classification: Likely benign. Last evaluated: 2025-05-23. Review status: criteria provided, single submitter. Criteria: ARUP Molecular Germline Variant Investigation Process 2024. Collection method: clinical testing. Allele origin: germline.

Mayo Clinic Laboratories, Mayo Clinic
Classification: Benign. Last evaluated: 2024-12-05. Review status: criteria provided, single submitter. Criteria: ACMG Guidelines, 2015. Collection method: clinical testing. Allele origin: germline. Observed: 1 variant allele.
Comment: BS1, BS2, BP4, BP7

Blueprint Genetics
Classification: Likely benign. Last evaluated: 2024-11-14. Review status: criteria provided, single submitter. Criteria: ACMG Guidelines, 2015. Collection method: clinical testing. Allele origin: germline.

Women's Health and Genetics/Laboratory Corporation of America, LabCorp
Classification: Benign. Last evaluated: 2023-08-10. Review status: criteria provided, single submitter. Criteria: LabCorp Variant Classification Summary - May 2015. Collection method: clinical testing. Allele origin: germline.

Ambry Genetics
Classification: Benign for Cardiovascular phenotype. Last evaluated: 2019-02-11. Review status: criteria provided, single submitter. Criteria: Ambry Variant Classification Scheme 2023. Collection method: clinical testing. Allele origin: germline.

GeneDx
Classification: Benign. Last evaluated: 2018-09-28. Review status: criteria provided, single submitter. Criteria: GeneDx Variant Classification Process June 2021. Collection method: clinical testing. Allele origin: germline. Affected: yes.

Breakthrough Genomics
Classification: Benign. Review status: criteria provided, single submitter. Criteria: ACMG Guidelines, 2015. Collection method: not provided. Allele origin: germline. Inheritance: X-linked inheritance. Affected: yes.

PreventionGenetics, part of Exact Sciences
Classification: Likely benign for BGN-related condition. Last evaluated: 2021-04-13. Review status: no assertion criteria provided. Collection method: clinical testing. Allele origin: germline. Not counted in ClinVar's aggregate classification.
Comment: This variant is classified as likely benign based on ACMG/AMP sequence variant interpretation guidelines (Richards et al. 2015 PMID: 25741868, with internal and published modifications).

Clinical Genetics DNA and cytogenetics Diagnostics Lab, Erasmus MC, Erasmus Medical Center
Classification: Likely benign. Review status: no assertion criteria provided. Collection method: clinical testing. Allele origin: germline. Affected: yes. Study: VKGL Data-share Consensus. Not counted in ClinVar's aggregate classification.

Genome Diagnostics Laboratory, Amsterdam University Medical Center
Classification: Likely benign. Review status: no assertion criteria provided. Collection method: clinical testing. Allele origin: germline. Affected: yes. Study: VKGL Data-share Consensus. Not counted in ClinVar's aggregate classification.

Genome Diagnostics Laboratory, University Medical Center Utrecht
Classification: Likely benign. Review status: no assertion criteria provided. Collection method: clinical testing. Allele origin: germline. Affected: yes. Study: VKGL Data-share Consensus. Not counted in ClinVar's aggregate classification.

NM_001711.6(BGN):c.357C>T (p.Leu119=)

Gene: BGN (biglycan; plus strand). Cytogenetic location: Xq28.
Variant type: single nucleotide variant.
Coding change: c.357C>T on transcript NM_001711.6 (MANE Select); coding-DNA position 357, C replaced by T.
Protein change: p.Leu119=; no amino-acid change (leucine 119 retained).
Molecular consequence: synonymous variant.
Genome position (GRCh38, 1-based): chrX:153,505,868, C>T. VCF-style: chrX-153505868-C-T. GRCh37 (hg19) VCF-style: chrX-152771326-C-T.
Other names: p.Leu119=.
Identifiers: ClinVar variation 714030 (VCV000714030.24), dbSNP rs146322407, ClinGen allele CA10547227.